The following is an entry in ClinVar:

ClinVar aggregate classification (germline): Uncertain significance (1 of 4 stars; one submission).

Allele frequency attached by ClinVar (database versions not stated): gnomAD exomes 0.00001.
gnomAD v4.1: 8 of 1,614,186 alleles (0.0005%); highest among the groups gnomAD compares: Non-Finnish European, 0.00068%; no homozygotes.

Submission:

Ambry Genetics
Classification: Uncertain significance. Last evaluated: 2024-03-06. Review status: criteria provided, single submitter. Criteria: Ambry Variant Classification Scheme 2023. Collection method: clinical testing. Allele origin: germline.
Comment: The p.D122H variant (also known as c.364G>C), located in coding exon 3 of the ALPK2 gene, results from a G to C substitution at nucleotide position 364. The aspartic acid at codon 122 is replaced by histidine, an amino acid with similar properties. This amino acid position is conserved. In addition, this alteration is predicted to be tolerated by in silico analysis. Since supporting evidence is limited at this time, the clinical significance of this alteration remains unclear.

NM_052947.4(ALPK2):c.364G>C (p.Asp122His)

Gene: ALPK2 (alpha kinase 2; minus strand). Cytogenetic location: 18q21.31.
Variant type: single nucleotide variant.
Coding change: c.364G>C on transcript NM_052947.4 (MANE Select); coding-DNA position 364, G replaced by C.
Protein change: p.Asp122His; replaces aspartic acid 122 with histidine.
Molecular consequence: missense variant.
Genome position (GRCh38, 1-based): chr18:58,580,412, C>G on the plus strand (G>C on the coding strand, the complement: ALPK2 is on the minus strand). VCF-style: chr18-58580412-C-G. GRCh37 (hg19) VCF-style: chr18-56247644-C-G.
Other names: short protein forms D122H.
Identifiers: ClinVar variation 1733598 (VCV001733598.2), dbSNP rs2518900346, ClinGen allele CA402568142.